The following is an entry in ClinVar:

NM_001458.5(FLNC):c.1514G>A (p.Gly505Asp)

Gene: FLNC (filamin C; plus strand). Cytogenetic location: 7q32.1.
Variant type: single nucleotide variant.
Coding change: c.1514G>A on transcript NM_001458.5 (MANE Select); coding-DNA position 1514, G replaced by A.
Protein change: p.Gly505Asp; replaces glycine 505 with aspartic acid.
Molecular consequence: missense variant.
Genome position (GRCh38, 1-based): chr7:128,840,125, G>A. VCF-style: chr7-128840125-G-A. GRCh37 (hg19) VCF-style: chr7-128480179-G-A.
Other names: c.1514G>A, p.Gly505Asp (NM_001127487.2); short protein forms G505D.
Identifiers: ClinVar variation 2934524 (VCV002934524.4), dbSNP rs185847889, ClinGen allele CA4474366.
Genomic context (GRCh38, chr7:128,840,125, plus strand): 5'-AGCCCAAGGGTGTTCGCGTGAAAGAGGTGGCTGACTTCAAGGTGTTTACCAAGGGTGCCG[G>A]CAGCGGGGAGCTCAAGGTCACGGTCAAGGGGCCAAGTGAGTGCCAGAGCCCAGGGTCGTG-3'
Protein context (NP_001449.3, residues 495-515): ADFKVFTKGA[Gly505Asp]SGELKVTVKG

ClinVar aggregate classification (germline): Uncertain significance. Review status: criteria provided, multiple submitters, no conflicts (2 of 4 stars). 2 submissions from 2 submitters: Uncertain significance (2). Last evaluated 2026-05-11.

Conditions:
Hypertrophic cardiomyopathy 26. Also called: Cardiomyopathy, familial hypertrophic, 26. Identifiers: Orphanet 75249, MedGen C4310749, MONDO:0014883, OMIM 617047.
Distal myopathy with posterior leg and anterior hand involvement. Also called: WILLIAMS DISTAL MYOPATHY. Identifiers: Orphanet 63273, MedGen C3279722, MONDO:0013550, OMIM 614065.
Myofibrillar myopathy 5. Also called: Filaminopathy (type); FILAMINOPATHY, AUTOSOMAL DOMINANT. Identifiers: Orphanet 171445, MedGen C1836050, MONDO:0012289, OMIM 609524.

Allele frequency attached by ClinVar (database versions not stated): gnomAD exomes below 0.00001; ExAC 0.00001.
gnomAD v4.1: 2 of 1,614,084 alleles (0.00012%); highest among the groups gnomAD compares: African/African-American, 0.0013%; no homozygotes.

Submissions (2):

Women's Health and Genetics/Laboratory Corporation of America, LabCorp
Classification: Uncertain significance. Last evaluated: 2026-05-11. Review status: criteria provided, single submitter. Criteria: LabCorp Variant Classification Summary - May 2015. Collection method: clinical testing. Allele origin: germline.

Labcorp Genetics (formerly Invitae), Labcorp
Classification: Uncertain significance for Distal myopathy with posterior leg and anterior hand involvement; Myofibrillar myopathy 5; Hypertrophic cardiomyopathy 26. Last evaluated: 2025-05-01. Review status: criteria provided, single submitter. Criteria: Invitae Variant Classification Sherloc (09022015). Collection method: clinical testing. Allele origin: germline.
Comment: This sequence change replaces glycine, which is neutral and non-polar, with aspartic acid, which is acidic and polar, at codon 505 of the FLNC protein (p.Gly505Asp). This variant is present in population databases (rs185847889, gnomAD 0.003%). This variant has not been reported in the literature in individuals affected with FLNC-related conditions. ClinVar contains an entry for this variant (Variation ID: 2934524). Invitae Evidence Modeling of protein sequence and biophysical properties (such as structural, functional, and spatial information, amino acid conservation, physicochemical variation, residue mobility, and thermodynamic stability) has been performed for this missense variant. However, the output from this modeling did not meet the statistical confidence thresholds required to predict the impact of this variant on FLNC protein function. In summary, the available evidence is currently insufficient to determine the role of this variant in disease. Therefore, it has been classified as a Variant of Uncertain Significance.